The following is an entry in ClinVar:

ClinVar aggregate classification (germline): Uncertain significance (1 of 4 stars; one submission).

Conditions:
Pyruvate dehydrogenase E3 deficiency (DLDD). Also called: Dihydrolipoamide Dehydrogenase Deficiency; MAPLE SYRUP URINE DISEASE, TYPE III; DLD DEFICIENCY; E3 DEFICIENCY; Dihydrolipoamide Dehydrogenase (E3) Deficiency; Dihydrolipoamide Dehydrogenase E3 Deficiency. Identifiers: Orphanet 2394, Orphanet 765, MedGen C5574660, MONDO:0009529, OMIM 246900.

Allele frequency attached by ClinVar (database versions not stated): gnomAD exomes 0.00001; ExAC 0.00002.
gnomAD v4.1: 10 of 1,613,634 alleles (0.00062%); highest among the groups gnomAD compares: Admixed American, 0.012%; no homozygotes.

Submission:

Labcorp Genetics (formerly Invitae), Labcorp
Classification: Uncertain significance for Pyruvate dehydrogenase E3 deficiency. Last evaluated: 2022-10-19. Review status: criteria provided, single submitter. Criteria: Invitae Variant Classification Sherloc (09022015). Collection method: clinical testing. Allele origin: germline.
Comment: This sequence change replaces tyrosine, which is neutral and polar, with phenylalanine, which is neutral and non-polar, at codon 54 of the DLD protein (p.Tyr54Phe). This variant is present in population databases (rs763303046, gnomAD 0.02%). This variant has not been reported in the literature in individuals affected with DLD-related conditions. Advanced modeling of protein sequence and biophysical properties (such as structural, functional, and spatial information, amino acid conservation, physicochemical variation, residue mobility, and thermodynamic stability) performed at Invitae indicates that this missense variant is expected to disrupt DLD protein function. In summary, the available evidence is currently insufficient to determine the role of this variant in disease. Therefore, it has been classified as a Variant of Uncertain Significance.

NM_000108.5(DLD):c.161A>T (p.Tyr54Phe)

Gene: DLD (dihydrolipoamide dehydrogenase; plus strand). Cytogenetic location: 7q31.1.
Variant type: single nucleotide variant.
Coding change: c.161A>T on transcript NM_000108.5 (MANE Select); coding-DNA position 161, A replaced by T.
Protein change: p.Tyr54Phe; replaces tyrosine 54 with phenylalanine.
Molecular consequence: missense variant. On other transcripts: intron variant (1).
Genome position (GRCh38, 1-based): chr7:107,901,780, A>T. VCF-style: chr7-107901780-A-T. GRCh37 (hg19) VCF-style: chr7-107542225-A-T.
Other names: c.161A>T, p.Tyr54Phe (NM_001289751.1, NM_001289752.1); c.-30-1698A>T (NM_001289750.1); short protein forms Y54F.
Identifiers: ClinVar variation 2158694 (VCV002158694.1), dbSNP rs763303046, ClinGen allele CA4434372.